The following is an entry in ClinVar:

ClinVar aggregate classification (germline): Likely benign (1 of 4 stars; one submission).

Allele frequency attached by ClinVar (database versions not stated): ExAC 0.00134; ESP Exome Variant Server 0.00169; 1000 Genomes Project 0.00180; 1000 Genomes Project 30x 0.00203; gnomAD 0.00230; TOPMed 0.00264.
gnomAD v4.1: 4,022 of 1,613,758 alleles (0.25%); highest among the groups gnomAD compares: Admixed American, 0.44%; 9 homozygotes.

Submission:

CeGaT Center for Human Genetics Tuebingen
Classification: Likely benign. Last evaluated: 2026-07-01. Review status: criteria provided, single submitter. Criteria: CeGaT Center For Human Genetics Tuebingen Variant Classification Criteria Version 2. Collection method: clinical testing. Allele origin: germline. Affected: yes. Observed: 2 variant alleles.
Comment: NXNL1: BS2

NM_138454.2(NXNL1):c.46G>A (p.Asp16Asn)

Gene: NXNL1 (nucleoredoxin like 1; minus strand). Cytogenetic location: 19p13.11.
Variant type: single nucleotide variant.
Coding change: c.46G>A on transcript NM_138454.2 (MANE Select); coding-DNA position 46, G replaced by A.
Protein change: p.Asp16Asn; replaces aspartic acid 16 with asparagine.
Molecular consequence: missense variant.
Genome position (GRCh38, 1-based): chr19:17,460,824, C>T on the plus strand (G>A on the coding strand, the complement: NXNL1 is on the minus strand). VCF-style: chr19-17460824-C-T. GRCh37 (hg19) VCF-style: chr19-17571633-C-T.
Other names: short protein forms D16N.
Identifiers: ClinVar variation 2649543 (VCV002649543.24), dbSNP rs140610859, ClinGen allele CA9295008.